The following is an entry in ClinVar:

NM_000532.5(PCCB):c.714T>A (p.Asp238Glu)

Gene: PCCB (propionyl-CoA carboxylase subunit beta; plus strand). Cytogenetic location: 3q22.3.
Variant type: single nucleotide variant.
Coding change: c.714T>A on transcript NM_000532.5 (MANE Select); coding-DNA position 714, T replaced by A.
Protein change: p.Asp238Glu; replaces aspartic acid 238 with glutamic acid.
Molecular consequence: missense variant.
Genome position (GRCh38, 1-based): chr3:136,293,815, T>A. VCF-style: chr3-136293815-T-A. GRCh37 (hg19) VCF-style: chr3-136012657-T-A.
Other names: c.774T>A, p.Asp258Glu (NM_001178014.2); short protein forms D238E, D258E.
Identifiers: ClinVar variation 1715999 (VCV001715999.5), dbSNP rs2529865886, ClinGen allele CA354643639.
Genomic context (GRCh38, chr3:136,293,815, plus strand): 5'-GGACACCTCCTACCTGTTCATCACTGGCCCTGATGTTGTGAAGTCTGTCACCAATGAGGA[T>A]GTTACCCAGGAGGAGCTCGGTGGTGCCAAGACCCACACCACCATGTCAGGTGAGAGGCCT-3'
Protein context (NP_000523.2, residues 228-248): PDVVKSVTNE[Asp238Glu]VTQEELGGAK

ClinVar aggregate classification (germline): Uncertain significance (1 of 4 stars; one submission).

Conditions:
Propionic acidemia (PROP). Also called: GLYCINEMIA, KETOTIC; HYPERGLYCINEMIA WITH KETOACIDOSIS AND LEUKOPENIA; KETOTIC HYPERGLYCINEMIA. Identifiers: Orphanet 35, MedGen C0268579, MONDO:0011628, OMIM 606054, HP:0003571.

Submission:

Labcorp Genetics (formerly Invitae), Labcorp
Classification: Uncertain significance for Propionic acidemia. Last evaluated: 2022-08-10. Review status: criteria provided, single submitter. Criteria: Invitae Variant Classification Sherloc (09022015). Collection method: clinical testing. Allele origin: germline.
Comment: In summary, the available evidence is currently insufficient to determine the role of this variant in disease. Therefore, it has been classified as a Variant of Uncertain Significance. Advanced modeling of protein sequence and biophysical properties (such as structural, functional, and spatial information, amino acid conservation, physicochemical variation, residue mobility, and thermodynamic stability) performed at Invitae indicates that this missense variant is not expected to disrupt PCCB protein function. This variant has not been reported in the literature in individuals affected with PCCB-related conditions. This variant is not present in population databases (gnomAD no frequency). This sequence change replaces aspartic acid, which is acidic and polar, with glutamic acid, which is acidic and polar, at codon 238 of the PCCB protein (p.Asp238Glu).